The following is an entry in ClinVar:

NM_001148.6(ANK2):c.261G>A (p.Gly87=)

Gene: ANK2 (ankyrin 2; plus strand). Cytogenetic location: 4q25.
Variant type: single nucleotide variant.
Coding change: c.261G>A on transcript NM_001148.6 (MANE Select); coding-DNA position 261, G replaced by A.
Protein change: p.Gly87=; no amino-acid change (glycine 87 retained).
Molecular consequence: synonymous variant.
Genome position (GRCh38, 1-based): chr4:113,196,442, G>A. VCF-style: chr4-113196442-G-A. GRCh37 (hg19) VCF-style: chr4-114117598-G-A.
Other names: p.G87G:GGG>GGA; c.198G>A, p.Gly66= (NM_001127493.3, NM_001354239.2, NM_001354243.2 and 33 more transcripts); c.261G>A, p.Gly87= (NM_001354225.2, NM_001354228.2, NM_001354232.2 and 9 more transcripts); c.306G>A, p.Gly102= (NM_001354230.2, NM_001354231.2, NM_001354237.2 and 5 more transcripts); c.243G>A, p.Gly81= (NM_001354261.2, NM_001386147.1, NM_001386160.1); c.249G>A, p.Gly83= (NM_001354269.3, NM_001386148.2, NM_001386186.2 and 1 more transcripts); c.312G>A, p.Gly104= (NM_001386174.1, NM_001386175.1); c.261G>A (NM_001148.5).
Identifiers: ClinVar variation 136381 (VCV000136381.26), dbSNP rs145502481, ClinGen allele CA289421.

ClinVar aggregate classification (germline): Benign/Likely benign. Review status: criteria provided, multiple submitters, no conflicts (2 of 4 stars). 7 submissions from 7 submitters: Benign (3); Likely benign (4). Last evaluated 2026-01-27.

Conditions:
Cardiovascular phenotype. Identifiers: MedGen CN230736.
Long QT syndrome (LQTS). Identifiers: MedGen C0023976, MeSH D008133, MONDO:0002442. Disease mechanism: loss of function. Inheritance: Various modes of inheritance.
Cardiac arrhythmia, ankyrin-B-related. Also called: ANKYRIN-B SYNDROME. Identifiers: Orphanet 101016, Orphanet 768, MedGen C1970119, MONDO:0010958, OMIM 600919.

Allele frequency attached by ClinVar (database versions not stated): gnomAD exomes 0.00005 and 0.00013; ExAC 0.00015; 1000 Genomes Project 30x 0.00016; 1000 Genomes Project 0.00020; TOPMed 0.00054; gnomAD 0.00058 and 0.00064; ESP Exome Variant Server 0.00069.
gnomAD v4.1: 166 of 1,613,392 alleles (0.01%); highest among the groups gnomAD compares: African/African-American, 0.19%; no homozygotes.

Submissions (7):

Labcorp Genetics (formerly Invitae), Labcorp
Classification: Benign for Long QT syndrome. Last evaluated: 2026-01-27. Review status: criteria provided, single submitter. Criteria: Invitae Variant Classification Sherloc (09022015). Collection method: clinical testing. Allele origin: germline.

CeGaT Center for Human Genetics Tuebingen
Classification: Likely benign. Last evaluated: 2025-09-01. Review status: criteria provided, single submitter. Criteria: CeGaT Center For Human Genetics Tuebingen Variant Classification Criteria Version 2. Collection method: clinical testing. Allele origin: germline. Affected: yes. Observed: 1 variant allele.
Comment: ANK2: BP4, BP7

Molecular Diagnostic Laboratory for Inherited Cardiovascular Disease, Montreal Heart Institute
Classification: Likely benign. Last evaluated: 2025-04-09. Review status: criteria provided, single submitter. Criteria: ACMG Guidelines, 2015. Collection method: clinical testing. Allele origin: germline. Affected: no.

Genome-Nilou Lab
Classification: Benign for Cardiac arrhythmia, ankyrin-B-related. Last evaluated: 2021-12-05. Review status: criteria provided, single submitter. Criteria: ACMG Guidelines, 2015. Collection method: clinical testing. Allele origin: germline. Affected: no.

Blueprint Genetics
Classification: Likely benign. Last evaluated: 2019-02-25. Review status: criteria provided, single submitter. Criteria: ACMG Guidelines, 2015. Collection method: clinical testing. Allele origin: germline.

Ambry Genetics
Classification: Likely benign for Cardiovascular phenotype. Last evaluated: 2015-06-29. Review status: criteria provided, single submitter. Criteria: Ambry Variant Classification Scheme 2023. Collection method: clinical testing. Allele origin: germline.

GeneDx
Classification: Benign. Last evaluated: 2013-09-13. Review status: criteria provided, single submitter. Criteria: GeneDx Variant Classification (06012015). Collection method: clinical testing. Allele origin: germline. Affected: yes.
Comment: This variant is considered likely benign or benign based on one or more of the following criteria: it is a conservative change, it occurs at a poorly conserved position in the protein, it is predicted to be benign by multiple in silico algorithms, and/or has population frequency not consistent with disease.